The following is an entry in ClinVar:

ClinVar aggregate classification (germline): Likely benign. Review status: criteria provided, multiple submitters, no conflicts (2 of 4 stars). 2 submissions from 2 submitters: Likely benign (2). Last evaluated 2026-05-04.

Conditions:
VWA1-related disorder. Also called: VWA1-related condition.

gnomAD v4.1: 25 of 1,185,300 alleles (0.0021%); highest among the groups gnomAD compares: African/African-American, 0.039%; no homozygotes.

Submissions (2):

Women's Health and Genetics/Laboratory Corporation of America, LabCorp
Classification: Likely benign. Last evaluated: 2026-05-04. Review status: criteria provided, single submitter. Criteria: LabCorp Variant Classification Summary - May 2015. Collection method: clinical testing. Allele origin: germline.

PreventionGenetics, part of Exact Sciences
Classification: Likely benign for VWA1-related condition. Last evaluated: 2025-05-08. Review status: criteria provided, single submitter. Criteria: ACMG Guidelines, 2015. Collection method: clinical testing. Allele origin: germline.
Comment: This variant is classified as likely benign based on ACMG/AMP sequence variant interpretation guidelines (Richards et al. 2015 PMID: 25741868, with internal and published modifications).

NM_022834.5(VWA1):c.54G>A (p.Ala18=)

Gene: VWA1 (von Willebrand factor A domain containing 1; plus strand). Cytogenetic location: 1p36.33.
Variant type: single nucleotide variant.
Coding change: c.54G>A on transcript NM_022834.5 (MANE Select); coding-DNA position 54, G replaced by A.
Protein change: p.Ala18=; no amino-acid change (alanine 18 retained).
Molecular consequence: synonymous variant.
Genome position (GRCh38, 1-based): chr1:1,435,802, G>A. VCF-style: chr1-1435802-G-A. GRCh37 (hg19) VCF-style: chr1-1371182-G-A.
Other names: c.54G>A, p.Ala18= (NM_199121.3); c.54G>A (NM_022834.4).
Identifiers: ClinVar variation 4853583 (VCV004853583.2).